The following is an entry in ClinVar:

NM_001243133.2(NLRP3):c.2263G>C (p.Gly755Arg)

Gene: NLRP3 (NLR family pyrin domain containing 3; plus strand). Cytogenetic location: 1q44.
Variant type: single nucleotide variant.
Coding change: c.2263G>C on transcript NM_001243133.2 (MANE Select); coding-DNA position 2263, G replaced by C.
Protein change: p.Gly755Arg; replaces glycine 755 with arginine.
Molecular consequence: missense variant. On other transcripts: intron variant (2).
Genome position (GRCh38, 1-based): chr1:247,429,697, G>C. VCF-style: chr1-247429697-G-C. GRCh37 (hg19) VCF-style: chr1-247592999-G-C.
Other names: c.2263G>C, p.Gly755Arg (NM_001079821.3, NM_001127461.3); c.2269G>C, p.Gly757Arg (NM_004895.5); c.2150+4098G>C (NM_001127462.3, NM_183395.3); short protein forms G757R, G755R.
Identifiers: ClinVar variation 97958 (VCV000097958.3), dbSNP rs180177469, ClinGen allele CA281310.

ClinVar aggregate classification (germline): Likely pathogenic. Review status: no assertion criteria provided (0 of 4 stars). 2 submissions from 2 submitters: Likely pathogenic (1). 1 of the submissions does not count toward it. Last evaluated 2022-09-13.

Conditions:
Familial cold autoinflammatory syndrome 1 (FCAS1). Also called: CRYOPYRIN-ASSOCIATED PERIODIC SYNDROME 1; Familial cold inflammatory syndrome 1. Identifiers: Orphanet 47045, MedGen C4551895, MONDO:0007349, OMIM 120100.
Chronic infantile neurological, cutaneous and articular syndrome (CINCA). Also called: CHRONIC NEUROLOGIC CUTANEOUS AND ARTICULAR SYNDROME; CINCA syndrome; Prieur Griscelli syndrome; CRYOPYRIN-ASSOCIATED PERIODIC SYNDROME 3. Identifiers: Orphanet 1451, MedGen C0409818, MONDO:0011776, OMIM 607115.

Submissions (2):

University of Washington Department of Laboratory Medicine, University of Washington
Classification: Likely pathogenic for Chronic infantile neurological, cutaneous and articular syndrome. Last evaluated: 2022-09-13. Review status: no assertion criteria provided. Collection method: clinical testing. Allele origin: unknown. Affected: yes.
Comment: This variant (also described as p.G755R in literature) has been identified in patient cohorts with cryopyrin-associated periodic syndromes (PMID:16449034, PMID:18080732). Additionally, a different amino acid change at this residue (p.G755A) has been previously reported in individual(s) with NOMID-CINCA syndrome (PMID:16871551), suggesting this residue is sensitive to variation. The p.G757R variant is absent from population databases, such as the Genome Aggregation Database (gnomad). ClinVar contains an entry for this variant (Variation ID: 97958). In silico tools predict that this variant is deleterious; however, these predictions have not been tested directly. Based on currently available evidence, we consider the p.G757R variant to be likely pathogenic.

Unité médicale des maladies autoinflammatoires, CHRU Montpellier
No classification provided. Condition: Familial cold urticaria. Review status: no classification provided. Collection method: not provided. Allele origin: unknown. Not counted in ClinVar's aggregate classification.
Comment: also involved in OMIM 191900 and 607115

Literature cited by the submitters: PubMed 16449034 (cited by University of Washington Department of Laboratory Medicine, University of Washington); PubMed 18080732 (cited by University of Washington Department of Laboratory Medicine, University of Washington); PubMed 16871551 (cited by University of Washington Department of Laboratory Medicine, University of Washington).